The following is an entry in ClinVar:

NM_000444.6(PHEX):c.1798G>T (p.Asp600Tyr)

Genes: PHEX (phosphate regulating endopeptidase X-linked; plus strand), PTCHD1-AS (PTCHD1 and PHEX antisense RNA; minus strand). Cytogenetic location: Xp22.11.
Variant type: single nucleotide variant.
Coding change: c.1798G>T on transcript NM_000444.6 (MANE Select); coding-DNA position 1798, G replaced by T.
Protein change: p.Asp600Tyr; replaces aspartic acid 600 with tyrosine.
Molecular consequence: missense variant.
Genome position (GRCh38, 1-based): chrX:22,221,642, G>T. VCF-style: chrX-22221642-G-T. GRCh37 (hg19) VCF-style: chrX-22239759-G-T.
Other names: c.1798G>T, p.Asp600Tyr (NM_001282754.2); short protein forms D600Y.
Identifiers: ClinVar variation 4696702 (VCV004696702.1).

ClinVar aggregate classification (germline): Uncertain significance (1 of 4 stars; one submission).

gnomAD v4.1: 3 of 1,199,577 alleles (0.00025%); highest among the groups gnomAD compares: Middle Eastern, 0.023%; no homozygotes.

Submission:

Labcorp Genetics (formerly Invitae), Labcorp
Classification: Uncertain significance. Last evaluated: 2025-04-11. Review status: criteria provided, single submitter. Criteria: Invitae Variant Classification Sherloc (09022015). Collection method: clinical testing. Allele origin: germline.
Comment: This sequence change replaces aspartic acid, which is acidic and polar, with tyrosine, which is neutral and polar, at codon 600 of the PHEX protein (p.Asp600Tyr). This variant is not present in population databases (gnomAD no frequency). This variant has not been reported in the literature in individuals affected with PHEX-related conditions. Invitae Evidence Modeling of protein sequence and biophysical properties (such as structural, functional, and spatial information, amino acid conservation, physicochemical variation, residue mobility, and thermodynamic stability) has been performed for this missense variant. However, the output from this modeling did not meet the statistical confidence thresholds required to predict the impact of this variant on PHEX protein function. In summary, the available evidence is currently insufficient to determine the role of this variant in disease. Therefore, it has been classified as a Variant of Uncertain Significance.